The following is an entry in ClinVar:

NM_001099403.2(PRDM8):c.269G>A (p.Arg90Gln)

Genes: PRDM8 (PR/SET domain 8; plus strand), LOC126807094 (CDK7 strongly-dependent group 2 enhancer GRCh37_chr4:81121978-81123177; plus strand). Cytogenetic location: 4q21.21.
Variant type: single nucleotide variant.
Coding change: c.269G>A on transcript NM_001099403.2 (MANE Select); coding-DNA position 269, G replaced by A.
Protein change: p.Arg90Gln; replaces arginine 90 with glutamine.
Molecular consequence: missense variant.
Genome position (GRCh38, 1-based): chr4:80,201,339, G>A. VCF-style: chr4-80201339-G-A. GRCh37 (hg19) VCF-style: chr4-81122493-G-A.
Other names: c.269G>A, p.Arg90Gln (NM_020226.4); c.269G>A (NM_020226.3); short protein forms R90Q.
Identifiers: ClinVar variation 1060338 (VCV001060338.9), dbSNP rs748762942, ClinGen allele CA2982177.

ClinVar aggregate classification (germline): Uncertain significance. Review status: criteria provided, multiple submitters, no conflicts (2 of 4 stars). 2 submissions from 2 submitters: Uncertain significance (2). Last evaluated 2025-04-11.

Conditions:
Early-onset Lafora body disease. Also called: Epilepsy, progressive myoclonic, 10. Identifiers: Orphanet 324290, MedGen C4225258, MONDO:0014717, OMIM 616640.

Allele frequency attached by ClinVar (database versions not stated): gnomAD 0.00002; gnomAD exomes 0.00001 and 0.00002; TOPMed 0.00003; ExAC 0.00002.

Submissions (2):

Ambry Genetics
Classification: Uncertain significance. Last evaluated: 2025-04-11. Review status: criteria provided, single submitter. Criteria: Ambry Variant Classification Scheme 2023. Collection method: clinical testing. Allele origin: germline.

Labcorp Genetics (formerly Invitae), Labcorp
Classification: Uncertain significance for Early-onset Lafora body disease. Last evaluated: 2024-02-24. Review status: criteria provided, single submitter. Criteria: Invitae Variant Classification Sherloc (09022015). Collection method: clinical testing. Allele origin: germline.
Comment: This sequence change replaces arginine, which is basic and polar, with glutamine, which is neutral and polar, at codon 90 of the PRDM8 protein (p.Arg90Gln). This variant is present in population databases (rs748762942, gnomAD 0.004%). This variant has not been reported in the literature in individuals affected with PRDM8-related conditions. ClinVar contains an entry for this variant (Variation ID: 1060338). Advanced modeling of protein sequence and biophysical properties (such as structural, functional, and spatial information, amino acid conservation, physicochemical variation, residue mobility, and thermodynamic stability) performed at Invitae indicates that this missense variant is not expected to disrupt PRDM8 protein function with a negative predictive value of 80%. In summary, the available evidence is currently insufficient to determine the role of this variant in disease. Therefore, it has been classified as a Variant of Uncertain Significance.